The following is an entry in ClinVar:

ClinVar aggregate classification (germline): Uncertain significance. Review status: criteria provided, multiple submitters, no conflicts (2 of 4 stars). 2 submissions from 2 submitters: Uncertain significance (2). Last evaluated 2025-07-21.

Conditions:
Cardiovascular phenotype. Identifiers: MedGen CN230736.

Submissions (2):

GeneDx
Classification: Uncertain significance. Last evaluated: 2025-07-21. Review status: criteria provided, single submitter. Criteria: GeneDx Variant Classification Process June 2021. Collection method: clinical testing. Allele origin: germline. Affected: yes.
Comment: Not observed at significant frequency in large population cohorts (gnomAD); In silico analysis supports that this missense variant has a deleterious effect on protein structure/function; Has not been previously published as pathogenic or benign to our knowledge; Not located in one of the three hot-spot regions of the RYR2 gene, where the majority of pathogenic missense variants occur (PMID: 19926015); This variant is associated with the following publications: (PMID: 19926015)

Ambry Genetics
Classification: Uncertain significance for Cardiovascular phenotype. Last evaluated: 2023-05-01. Review status: criteria provided, single submitter. Criteria: Ambry Variant Classification Scheme 2023. Collection method: clinical testing. Allele origin: germline.
Comment: The p.E2682A variant (also known as c.8045A>C), located in coding exon 53 of the RYR2 gene, results from an A to C substitution at nucleotide position 8045. The glutamic acid at codon 2682 is replaced by alanine, an amino acid with dissimilar properties. This amino acid position is well conserved in available vertebrate species. In addition, this alteration is predicted to be deleterious by in silico analysis. Since supporting evidence is limited at this time, the clinical significance of this alteration remains unclear.

NM_001035.3(RYR2):c.8045A>C (p.Glu2682Ala)

Gene: RYR2 (ryanodine receptor 2; plus strand). Cytogenetic location: 1q43.
Variant type: single nucleotide variant.
Coding change: c.8045A>C on transcript NM_001035.3 (MANE Select); coding-DNA position 8045, A replaced by C.
Protein change: p.Glu2682Ala; replaces glutamic acid 2682 with alanine.
Molecular consequence: missense variant.
Genome position (GRCh38, 1-based): chr1:237,655,900, A>C. VCF-style: chr1-237655900-A-C. GRCh37 (hg19) VCF-style: chr1-237819200-A-C.
Other names: short protein forms E2682A.
Identifiers: ClinVar variation 2568265 (VCV002568265.3), dbSNP rs2547083494, ClinGen allele CA345400895.